The following is an entry in ClinVar:

ClinVar aggregate classification (germline): Conflicting classifications of pathogenicity. Review status: criteria provided, conflicting classifications (1 of 4 stars). 5 submissions from 5 submitters: Uncertain significance (4); Likely benign (1). Last evaluated 2025-06-09.

Conditions:
BRCA1-related cancer predisposition. Identifiers: MedGen CN377757, MONDO:0700268.
Hereditary breast ovarian cancer syndrome. Also called: Hereditary breast and ovarian cancer; Hereditary breast and/or ovarian cancer syndrome; Breast and ovarian cancer; BRCA1- and BRCA2-Associated Hereditary Breast and Ovarian Cancer; Hereditary breast and ovarian cancer syndrome; Hereditary breast and ovarian cancer syndrome (HBOC). Identifiers: Orphanet 145, MedGen C0677776, MeSH D061325, MONDO:0003582. Disease mechanism: loss of function.
Hereditary cancer-predisposing syndrome. Also called: Hereditary neoplastic syndrome; Tumor predisposition; Neoplastic Syndromes, Hereditary; Hereditary Cancer Syndrome. Identifiers: Orphanet 140162, MedGen C0027672, MeSH D009386, MONDO:0015356.

Submissions (5):

Labcorp Genetics (formerly Invitae), Labcorp
Classification: Uncertain significance for Hereditary breast ovarian cancer syndrome. Last evaluated: 2025-06-09. Review status: criteria provided, single submitter. Criteria: Invitae Variant Classification Sherloc (09022015). Collection method: clinical testing. Allele origin: germline.
Comment: This sequence change replaces asparagine, which is neutral and polar, with tyrosine, which is neutral and polar, at codon 961 of the BRCA1 protein (p.Asn961Tyr). This variant is not present in population databases (gnomAD no frequency). This variant has not been reported in the literature in individuals affected with BRCA1-related conditions. ClinVar contains an entry for this variant (Variation ID: 655201). Invitae Evidence Modeling of protein sequence and biophysical properties (such as structural, functional, and spatial information, amino acid conservation, physicochemical variation, residue mobility, and thermodynamic stability) indicates that this missense variant is not expected to disrupt BRCA1 protein function with a negative predictive value of 80%. In summary, the available evidence is currently insufficient to determine the role of this variant in disease. Therefore, it has been classified as a Variant of Uncertain Significance.

All of Us Research Program, National Institutes of Health
Classification: Uncertain significance for BRCA1-related cancer predisposition. Last evaluated: 2024-08-29. Review status: criteria provided, single submitter. Criteria: ACMG Guidelines, 2015. Collection method: clinical testing. Allele origin: germline. Inheritance: Autosomal dominant inheritance. Observed: 1 variant allele, 1 heterozygote.
Comment: This study involves interpretation of variants in research participants for the purpose of population health screening. Participant phenotype was not available at the time of variant classification. Additional details can be found in publication PMID: 35346344, PMCID: PMC8962531

Ambry Genetics
Classification: Uncertain significance for Hereditary cancer-predisposing syndrome. Last evaluated: 2023-07-27. Review status: criteria provided, single submitter. Criteria: Ambry Variant Classification Scheme 2023. Collection method: clinical testing. Allele origin: germline.
Comment: The p.N961Y variant (also known as c.2881A>T), located in coding exon 9 of the BRCA1 gene, results from an A to T substitution at nucleotide position 2881. The asparagine at codon 961 is replaced by tyrosine, an amino acid with dissimilar properties. This amino acid position is conserved. In addition, the in silico prediction for this alteration is inconclusive. Since supporting evidence is limited at this time, the clinical significance of this alteration remains unclear.

University of Washington Department of Laboratory Medicine, University of Washington
Classification: Likely benign for Hereditary cancer-predisposing syndrome. Last evaluated: 2023-03-23. Review status: criteria provided, single submitter. Criteria: Dines et al. (Genet Med. 2020). Collection method: curation. Allele origin: germline.
Comment: Missense variant in a coldspot region where missense variants are very unlikely to be pathogenic (PMID:31911673).

BRCA1 coldspot (exon 11 using historical exon numbering). Reclassification based on statistical prior probability

Color Diagnostics, LLC DBA Color Health
Classification: Uncertain significance for Hereditary cancer-predisposing syndrome. Last evaluated: 2019-12-10. Review status: criteria provided, single submitter. Criteria: ACMG Guidelines, 2015. Collection method: clinical testing. Allele origin: germline.

NM_007294.4(BRCA1):c.2881A>T (p.Asn961Tyr)

Gene: BRCA1 (BRCA1 DNA repair associated; minus strand). Cytogenetic location: 17q21.31.
Variant type: single nucleotide variant.
Coding change: c.2881A>T on transcript NM_007294.4 (MANE Select); coding-DNA position 2881, A replaced by T.
Protein change: p.Asn961Tyr; replaces asparagine 961 with tyrosine.
Molecular consequence: missense variant. On other transcripts: intron variant (137).
Genome position (GRCh38, 1-based): chr17:43,092,650, T>A on the plus strand (A>T on the coding strand, the complement: BRCA1 is on the minus strand). VCF-style: chr17-43092650-T-A. GRCh37 (hg19) VCF-style: chr17-41244667-T-A.
Other names: c.2668A>T, p.Asn890Tyr (NM_001407571.1, NM_001407896.1, NM_001407897.1 and 9 more transcripts); c.2881A>T, p.Asn961Tyr (NM_001407581.1, NM_001407582.1, NM_001407583.1 and 30 more transcripts); c.2878A>T, p.Asn960Tyr (NM_001407587.1, NM_001407590.1, NM_001407591.1 and 22 more transcripts); c.2872A>T, p.Asn958Tyr (NM_001407646.1, NM_001407647.1); c.2758A>T, p.Asn920Tyr (NM_001407648.1, NM_001407666.1, NM_001407667.1 and 19 more transcripts); c.2755A>T, p.Asn919Tyr (NM_001407649.1, NM_001407670.1, NM_001407671.1 and 11 more transcripts); c.2803A>T, p.Asn935Tyr (NM_001407653.1, NM_001407654.1, NM_001407655.1 and 4 more transcripts); c.2740A>T, p.Asn914Tyr (NM_001407692.1, NM_001407694.1, NM_001407730.1 and 29 more transcripts); and 41 more; short protein forms N914Y, N961Y, N890Y, N913Y, N665Y, N850Y, N873Y, N894Y.
Identifiers: ClinVar variation 655201 (VCV000655201.19), dbSNP rs786203786, ClinGen allele CA10596226.